The following is an entry in ClinVar:

NM_153717.3(EVC):c.918C>A (p.Tyr306Ter)

Gene: EVC (EvC ciliary complex subunit 1; plus strand). Cytogenetic location: 4p16.2.
Variant type: single nucleotide variant.
Coding change: c.918C>A on transcript NM_153717.3 (MANE Select); coding-DNA position 918, C replaced by A.
Protein change: p.Tyr306Ter; replaces tyrosine 306 with a stop codon.
Molecular consequence: nonsense.
Genome position (GRCh38, 1-based): chr4:5,745,320, C>A. VCF-style: chr4-5745320-C-A. GRCh37 (hg19) VCF-style: chr4-5747047-C-A.
Other names: c.918C>A, p.Tyr306Ter (NM_001306090.2, NM_001306092.2); short protein forms Y306*.
Identifiers: ClinVar variation 632443 (VCV000632443.12), dbSNP rs1560323242, ClinGen allele CA356150181.
Genomic context (GRCh38, chr4:5,745,320, plus strand): 5'-GGGGGCTGGTGACTCTGAGTACATCACCCTGGCTGATGTGGAAAAGAAGGAGAGAGAATA[C>A]TCTGAACAGCTAATCGATAATGTGCGTGCCAGACTTTCTTTCCTGTACACAAATTTTGGT-3'

ClinVar aggregate classification (germline): Pathogenic/Likely pathogenic. Review status: criteria provided, multiple submitters, no conflicts (2 of 4 stars). 3 submissions from 3 submitters: Pathogenic (2); Likely pathogenic (1). Last evaluated 2025-04-17.

Conditions:
Ellis-van Creveld syndrome (EVC). Also called: EVC-Related Ellis-van Creveld Syndrome; EVC2-Related Ellis-van Creveld Syndrome; Chondroectodermal dysplasia; MESOECTODERMAL DYSPLASIA. Identifiers: Orphanet 289, MedGen C0013903, MONDO:0009162, OMIM 225500.
Curry-Hall syndrome (WAD). Also called: WEYERS ACRODENTAL DYSOSTOSIS. Identifiers: Orphanet 952, MedGen C0457013, MONDO:0008673, OMIM 193530.

Allele frequency attached by ClinVar (database versions not stated): TOPMed below 0.00001; gnomAD 0.00001.
gnomAD v4.1: 4 of 1,613,920 alleles (0.00025%); highest among the groups gnomAD compares: Non-Finnish European, 0.00034%; no homozygotes.

Submissions (3):

3billion
Classification: Pathogenic for Ellis-van Creveld syndrome. Last evaluated: 2025-04-17. Review status: criteria provided, single submitter. Criteria: ACMG Guidelines, 2015. Collection method: clinical testing. Allele origin: germline. Affected: yes.
Comment: The variant is observed at an extremely low frequency in the gnomAD v4.1.0 dataset (total allele frequency: <0.001%).Predicted Consequence/Location: Stop-gained (nonsense): predicted to result in a loss or disruption of normal protein function through nonsense-mediated decay (NMD) or protein truncation. Multiple pathogenic variants are reported downstream of the variant. In trans with the other variant (NM_153717.3:c.873dup). The variant has been reported to be associated with EVC-related disorder (ClinVar ID: VCV000632443). Therefore, this variant is classified as Pathogenic according to the recommendation of ACMG/AMP guideline.

Natera, Inc.
Classification: Likely pathogenic for Ellis-van Creveld syndrome. Last evaluated: 2025-01-30. Review status: criteria provided, single submitter. Criteria: Natera Variant Classification Schema (03/2026). Collection method: clinical testing. Allele origin: germline.
Comment: The c.918C>A variant in EVC is a nonsense variant predicted to introduce a stop codon at amino acid 306. This variant is expected to result in nonsense mediated decay, truncation, or a dysfunctional protein product. This variant is rare in the general population with a frequency below the threshold expected for the associated phenotype(s). Given the available evidence, this variant is classified as Likely Pathogenic.

Labcorp Genetics (formerly Invitae), Labcorp
Classification: Pathogenic for Curry-Hall syndrome; Ellis-van Creveld syndrome. Last evaluated: 2023-10-25. Review status: criteria provided, single submitter. Criteria: Invitae Variant Classification Sherloc (09022015). Collection method: clinical testing. Allele origin: germline.
Comment: This sequence change creates a premature translational stop signal (p.Tyr306*) in the EVC gene. It is expected to result in an absent or disrupted protein product. Loss-of-function variants in EVC are known to be pathogenic (PMID: 23220543). This variant is not present in population databases (gnomAD no frequency). This variant has not been reported in the literature in individuals affected with EVC-related conditions. ClinVar contains an entry for this variant (Variation ID: 632443). For these reasons, this variant has been classified as Pathogenic.

Literature cited by the submitters: PubMed 23220543 (cited by Labcorp Genetics (formerly Invitae), Labcorp).